The following is an entry in ClinVar:

ClinVar aggregate classification (germline): Uncertain significance. Review status: criteria provided, multiple submitters, no conflicts (2 of 4 stars). 2 submissions from 2 submitters: Uncertain significance (2). Last evaluated 2025-05-12.

Conditions:
Hereditary cancer-predisposing syndrome. Also called: Tumor predisposition; Hereditary neoplastic syndrome; Hereditary Cancer Syndrome; Neoplastic Syndromes, Hereditary. Identifiers: Orphanet 140162, MedGen C0027672, MeSH D009386, MONDO:0015356.
EGFR-related lung cancer (EGFR). Identifiers: MedGen CN130014.

Allele frequency attached by ClinVar (database versions not stated): gnomAD exomes below 0.00001.
gnomAD v4.1: 2 of 1,614,236 alleles (0.00012%); highest among the groups gnomAD compares: East Asian, 0.0022%; no homozygotes.

Submissions (2):

Labcorp Genetics (formerly Invitae), Labcorp
Classification: Uncertain significance for EGFR-related lung cancer. Last evaluated: 2025-05-12. Review status: criteria provided, single submitter. Criteria: Invitae Variant Classification Sherloc (09022015). Collection method: clinical testing. Allele origin: germline.
Comment: This sequence change replaces glutamine, which is neutral and polar, with arginine, which is basic and polar, at codon 408 of the EGFR protein (p.Gln408Arg). This variant is not present in population databases (gnomAD no frequency). This variant has not been reported in the literature in individuals affected with EGFR-related conditions. ClinVar contains an entry for this variant (Variation ID: 2965392). Invitae Evidence Modeling of protein sequence and biophysical properties (such as structural, functional, and spatial information, amino acid conservation, physicochemical variation, residue mobility, and thermodynamic stability) has been performed for this missense variant. However, the output from this modeling did not meet the statistical confidence thresholds required to predict the impact of this variant on EGFR protein function. In summary, the available evidence is currently insufficient to determine the role of this variant in disease. Therefore, it has been classified as a Variant of Uncertain Significance.

Ambry Genetics
Classification: Uncertain significance for Hereditary cancer-predisposing syndrome. Last evaluated: 2025-04-20. Review status: criteria provided, single submitter. Criteria: Ambry Variant Classification Scheme 2023. Collection method: clinical testing. Allele origin: germline.
Comment: The p.Q408R variant (also known as c.1223A>G), located in coding exon 11 of the EGFR gene, results from an A to G substitution at nucleotide position 1223. The glutamine at codon 408 is replaced by arginine, an amino acid with highly similar properties. This amino acid position is conserved. In addition, this alteration is predicted to be deleterious by in silico analysis. Based on the available evidence, the clinical significance of this variant remains unclear.

NM_005228.5(EGFR):c.1223A>G (p.Gln408Arg)

Gene: EGFR (epidermal growth factor receptor; plus strand). Cytogenetic location: 7p11.2.
Variant type: single nucleotide variant.
Coding change: c.1223A>G on transcript NM_005228.5 (MANE Select); coding-DNA position 1223, A replaced by G.
Protein change: p.Gln408Arg; replaces glutamine 408 with arginine.
Molecular consequence: missense variant.
Genome position (GRCh38, 1-based): chr7:55,157,678, A>G. VCF-style: chr7-55157678-A-G. GRCh37 (hg19) VCF-style: chr7-55225371-A-G.
Other names: c.1088A>G, p.Gln363Arg (NM_001346897.2, NM_001346899.2); c.1223A>G, p.Gln408Arg (NM_001346898.2, NM_201282.2, NM_201284.2); c.1064A>G, p.Gln355Arg (NM_001346900.2); c.422A>G, p.Gln141Arg (NM_001346941.2); short protein forms Q408R, Q355R, Q363R, Q141R.
Identifiers: ClinVar variation 2965392 (VCV002965392.4), dbSNP rs2128939619, ClinGen allele CA367579121.